The following is an entry in ClinVar:

ClinVar aggregate classification (germline): Uncertain significance (1 of 4 stars; one submission).

gnomAD v4.1: 4 of 1,211,532 alleles (0.00033%); highest among the groups gnomAD compares: East Asian, 0.0059%; no homozygotes.

Submission:

CeGaT Center for Human Genetics Tuebingen
Classification: Uncertain significance. Last evaluated: 2025-03-01. Review status: criteria provided, single submitter. Criteria: CeGaT Center For Human Genetics Tuebingen Variant Classification Criteria Version 2. Collection method: clinical testing. Allele origin: germline. Affected: yes. Observed: 1 variant allele.
Comment: BCORL1: PM2

NM_001379451.1(BCORL1):c.2219G>A (p.Arg740His)

Gene: BCORL1 (BCL6 corepressor like 1; plus strand). Cytogenetic location: Xq26.1.
Variant type: single nucleotide variant.
Coding change: c.2219G>A on transcript NM_001379451.1 (MANE Select); coding-DNA position 2219, G replaced by A.
Protein change: p.Arg740His; replaces arginine 740 with histidine.
Molecular consequence: missense variant.
Genome position (GRCh38, 1-based): chrX:130,014,991, G>A. VCF-style: chrX-130014991-G-A. GRCh37 (hg19) VCF-style: chrX-129148967-G-A.
Other names: c.2219G>A, p.Arg740His (NM_021946.5, NM_001184772.3, NM_001379450.1); short protein forms R740H.
Identifiers: ClinVar variation 3778118 (VCV003778118.7).
Genomic context (GRCh38, chrX:130,014,991, plus strand): 5'-TGGCCAACCCAGTGCCTGCATCCCTGCTGCTGAACAAAGACCCCAACCTGGGCCTCAACC[G>A]TGACCCCCGCCATCTCCCCAAGCAGGAGCCCATCTCCATCATTGATCAAGGAGAGCCTAA-3'
Protein context (NP_001366380.1, residues 730-750): LNKDPNLGLN[Arg740His]DPRHLPKQEP